The following is an entry in ClinVar:

ClinVar aggregate classification (germline): Pathogenic. Review status: criteria provided, single submitter (1 of 4 stars). 2 submissions from 2 submitters: Pathogenic (1). 1 of the submissions does not count toward it. Last evaluated 2022-01-12.

Conditions:
Inborn genetic diseases. Identifiers: MedGen C0950123, MeSH D030342.
Fliedner-Zweier syndrome (FZS). Identifiers: MedGen C5882693, MONDO:0957787, OMIM 620511.

Allele frequency attached by ClinVar (database versions not stated): gnomAD exomes below 0.00001.
gnomAD v4.1: 1 of 1,580,574 alleles (0.000063%); highest among the groups gnomAD compares: South Asian, 0.0011%; no homozygotes.

Submissions (2):

Ambry Genetics
Classification: Pathogenic for Inborn genetic diseases. Last evaluated: 2022-01-12. Review status: criteria provided, single submitter. Criteria: Ambry Variant Classification Scheme 2023. Collection method: clinical testing. Allele origin: germline.
Comment: The c.1411C>T (p.R471*) alteration, located in exon 12 (coding exon 12) of the SCAF4 gene, consists of a C to T substitution at nucleotide position 1411. This changes the amino acid from an arginine (R) to a stop codon at amino acid position 471. This alteration is expected to result in loss of function by premature protein truncation or nonsense-mediated mRNA decay. This variant was not reported in population-based cohorts in the Genome Aggregation Database (gnomAD). Based on the available evidence, this alteration is classified as pathogenic.

OMIM
Classification: Pathogenic for FLIEDNER-ZWEIER SYNDROME. Last evaluated: 2024-04-08. Review status: no assertion criteria provided. Collection method: literature only. Allele origin: germline. Not counted in ClinVar's aggregate classification.

Literature cited by the submitters: PubMed 37394306 (cited by OMIM).

NM_020706.2(SCAF4):c.1411C>T (p.Arg471Ter)

Gene: SCAF4 (SR-related CTD associated factor 4; minus strand). Cytogenetic location: 21q22.11.
Variant type: single nucleotide variant.
Coding change: c.1411C>T on transcript NM_020706.2 (MANE Select); coding-DNA position 1411, C replaced by T.
Protein change: p.Arg471Ter; replaces arginine 471 with a stop codon.
Molecular consequence: nonsense.
Genome position (GRCh38, 1-based): chr21:31,693,396, G>A on the plus strand (C>T on the coding strand, the complement: SCAF4 is on the minus strand). VCF-style: chr21-31693396-G-A. GRCh37 (hg19) VCF-style: chr21-33065709-G-A.
Other names: c.1366C>T, p.Arg456Ter (NM_001145444.1); c.1411C>T, p.Arg471Ter (NM_001145445.1); short protein forms R471*, R456*.
Identifiers: ClinVar variation 2263747 (VCV002263747.4), dbSNP rs868454222, ClinGen allele CA319354442.